The following is an entry in ClinVar:

NM_021815.5(SLC5A7):c.742-5C>T

Gene: SLC5A7 (solute carrier family 5 member 7; plus strand). Cytogenetic location: 2q12.3.
Variant type: single nucleotide variant.
Coding change: c.742-5C>T on transcript NM_021815.5 (MANE Select); 5 bases into the intron before coding-DNA position 742, C replaced by T.
Molecular consequence: intron variant.
Genome position (GRCh38, 1-based): chr2:108,006,044, C>T. VCF-style: chr2-108006044-C-T. GRCh37 (hg19) VCF-style: chr2-108622500-C-T.
Other names: c.1-5C>T (NM_001305007.3); c.742-5C>T (NM_001305005.3); c.427-5C>T (NM_001305006.3).
Identifiers: ClinVar variation 1596627 (VCV001596627.12), dbSNP rs1287734210, ClinGen allele CA534891878.

ClinVar aggregate classification (germline): Conflicting classifications of pathogenicity. Review status: criteria provided, conflicting classifications (1 of 4 stars). 2 submissions from 2 submitters: Uncertain significance (1); Likely benign (1). Last evaluated 2024-05-14.

Conditions:
Inborn genetic diseases. Identifiers: MedGen C0950123, MeSH D030342.
Neuronopathy, distal hereditary motor, type 7A. Also called: SPINAL MUSCULAR ATROPHY, DISTAL, WITH VOCAL CORD PARALYSIS; NEURONOPATHY, DISTAL HEREDITARY MOTOR, HARDING TYPE VIIA; NEUROPATHY, DISTAL HEREDITARY MOTOR, HARDING TYPE VIIA; Neuronopathy, distal hereditary motor, autosomal dominant 7; HARPER-YOUNG MYOPATHY; HMN VIIA. Identifiers: Orphanet 139589, MedGen C1834703, MONDO:0008024, OMIM 158580.
Congenital myasthenic syndrome 20. Also called: Myasthenic syndrome, congenital, 20, presynaptic. Identifiers: MedGen C4310694, MONDO:0014939, OMIM 617143.

Allele frequency attached by ClinVar (database versions not stated): gnomAD exomes below 0.00001.
gnomAD v4.1: 3 of 1,613,964 alleles (0.00019%); highest among the groups gnomAD compares: South Asian, 0.0022%; no homozygotes.

Submissions (2):

Labcorp Genetics (formerly Invitae), Labcorp
Classification: Likely benign for Neuronopathy, distal hereditary motor, type 7A; Congenital myasthenic syndrome 20. Last evaluated: 2024-05-14. Review status: criteria provided, single submitter. Criteria: Invitae Variant Classification Sherloc (09022015). Collection method: clinical testing. Allele origin: germline.

Ambry Genetics
Classification: Uncertain significance for Inborn genetic diseases. Last evaluated: 2020-03-11. Review status: criteria provided, single submitter. Criteria: Ambry Variant Classification Scheme 2023. Collection method: clinical testing. Allele origin: germline.
Comment: The c.742-5C>T intronic variant results from a C to T substitution 5 nucleotides upstream from coding exon 6 in the SLC5A7 gene. This nucleotide position is poorly conserved in available vertebrate species. Using the BDGP and ESEfinder splice site prediction tools, this alteration is not predicted to have any significant effect on this splice acceptor site; however, direct evidence is unavailable. Since supporting evidence is limited at this time, the clinical significance of this alteration remains unclear.